The following is an entry in ClinVar:

NM_001165963.4(SCN1A):c.2606T>C (p.Leu869Ser)

Gene: SCN1A (sodium voltage-gated channel alpha subunit 1; minus strand). Cytogenetic location: 2q24.3.
Variant type: single nucleotide variant.
Coding change: c.2606T>C on transcript NM_001165963.4 (MANE Select); coding-DNA position 2606, T replaced by C.
Protein change: p.Leu869Ser; replaces leucine 869 with serine.
Molecular consequence: missense variant. On other transcripts: non-coding transcript variant (1).
Genome position (GRCh38, 1-based): chr2:166,038,116, A>G on the plus strand (T>C on the coding strand, the complement: SCN1A is on the minus strand). VCF-style: chr2-166038116-A-G. GRCh37 (hg19) VCF-style: chr2-166894626-A-G.
Other names: c.2522T>C, p.Leu841Ser (NM_001165964.3, NM_001353957.2, NM_001353958.2); c.2606T>C, p.Leu869Ser (NM_001202435.3, NM_001353948.2); c.2573T>C, p.Leu858Ser (NM_001353949.2, NM_001353950.2, NM_001353951.2 and 2 more transcripts); c.2570T>C, p.Leu857Ser (NM_001353954.2, NM_001353955.2); c.2519T>C, p.Leu840Ser (NM_001353960.2); c.164T>C, p.Leu55Ser (NM_001353961.2); short protein forms L858S, L869S, L841S, L857S, L55S, L840S.
Identifiers: ClinVar variation 372972 (VCV000372972.1), dbSNP rs1057518110, ClinGen allele CA16042442.

ClinVar aggregate classification (germline): Likely pathogenic (1 of 4 stars; one submission).

Submission:

GeneDx
Classification: Likely pathogenic. Last evaluated: 2016-06-30. Review status: criteria provided, single submitter. Criteria: GeneDx Variant Classification (06012015). Collection method: clinical testing. Allele origin: germline. Affected: yes.
Comment: The L869S variant has not been published as a pathogenic variant, nor has it been reported as a benign variant to our knowledge. It was not observed in approximately 6,500 individuals of European and African American ancestry in the NHLBI Exome Sequencing Project, indicating it is not a common benign variant in these populations. The L869S variant is a non-conservative amino acid substitution, which is likely to impact secondary protein structure as these residues differ in polarity, charge, size and/or other properties. This substitution alters a conserved position predicted to be within the transmembrane segment S4 voltage sensor of the second homologous domain. In silico analysis predicts this variant is probably damaging to the protein structure/function. Additionally, missense variants in nearby residues (R865G, S872Y) have been reported in the Human Gene Mutation Database in association with SCN1A-related disorder (Stenson et al., 2014). Therefore, this variant is likely pathogenic; however, the possibility that it is benign cannot be excluded.